The following is an entry in ClinVar:

ClinVar aggregate classification (germline): Uncertain significance (1 of 4 stars; one submission).

Submission:

ARUP Laboratories, Molecular Genetics and Genomics, ARUP Laboratories
Classification: Uncertain significance. Last evaluated: 2018-08-02. Review status: criteria provided, single submitter. Criteria: ARUP Molecular Germline Variant Investigation Process. Collection method: clinical testing. Allele origin: germline.
Comment: The F9 c.1078T>A; p.Phe360Ile variant, also called p.Phe314Ile, is reported in one individual affected with moderate hemophilia (Factor IX Gene Variant database). The p.Phe360Ile variant is absent from general population databases (1000 Genomes Project, Exome Variant Server, and Genome Aggregation Database), indicating it is not a common polymorphism. The phenylalanine at codon 360 is moderately conserved, but computational analyses (SIFT, PolyPhen-2) predict that this variant is tolerated. However, due to limited information, the clinical significance of the p.Phe360Ile variant is uncertain at this time. References: Factor IX Gene Variant database: Arias-Moreno X et al. Molecular characterization of 16 hemophilia B families in Aragon, Spain. Blood Coagul Fibrinolysis. 2013 Sep;24(6):625-32. Yang C et al. A novel missense mutation, p.Phe360Cys, in FIX gene results in haemophilia B in a female patient with skewed X-inactivation. Haemophilia. 2018 Mar;24(2):e68-e70.

NM_000133.4(F9):c.1078T>A (p.Phe360Ile)

Gene: F9 (coagulation factor IX; plus strand). Cytogenetic location: Xq27.1.
Variant type: single nucleotide variant.
Coding change: c.1078T>A on transcript NM_000133.4 (MANE Select); coding-DNA position 1078, T replaced by A.
Protein change: p.Phe360Ile; replaces phenylalanine 360 with isoleucine.
Molecular consequence: missense variant.
Genome position (GRCh38, 1-based): chrX:139,561,763, T>A. VCF-style: chrX-139561763-T-A. GRCh37 (hg19) VCF-style: chrX-138643922-T-A.
Other names: c.964T>A, p.Phe322Ile (NM_001313913.2); short protein forms F322I, F360I.
Identifiers: ClinVar variation 810862 (VCV000810862.8), dbSNP rs1603267386, ClinGen allele CA414445756.